The following is an entry in ClinVar:

NM_007215.4(POLG2):c.410C>G (p.Pro137Arg)

Genes: MILR1 (mast cell immunoglobulin like receptor 1; plus strand), POLG2 (DNA polymerase gamma 2, accessory subunit; minus strand). Cytogenetic location: 17q23.3.
Variant type: single nucleotide variant.
Coding change: c.410C>G on transcript NM_007215.4 (MANE Select); coding-DNA position 410, C replaced by G.
Protein change: p.Pro137Arg; replaces proline 137 with arginine.
Molecular consequence: missense variant.
Genome position (GRCh38, 1-based): chr17:64,496,559, G>C on the plus strand (C>G on the coding strand, the complement: POLG2 is on the minus strand). VCF-style: chr17-64496559-G-C. GRCh37 (hg19) VCF-style: chr17-62492677-G-C.
Other names: short protein forms P137R.
Identifiers: ClinVar variation 2850999 (VCV002850999.3), dbSNP rs1555669551, ClinGen allele CA400640992.

ClinVar aggregate classification (germline): Uncertain significance (1 of 4 stars; one submission).

gnomAD v4.1: 5 of 1,613,854 alleles (0.00031%); highest among the groups gnomAD compares: Non-Finnish European, 0.00042%; no homozygotes.

Submission:

Labcorp Genetics (formerly Invitae), Labcorp
Classification: Uncertain significance. Last evaluated: 2025-07-13. Review status: criteria provided, single submitter. Criteria: Invitae Variant Classification Sherloc (09022015). Collection method: clinical testing. Allele origin: germline.
Comment: This sequence change replaces proline, which is neutral and non-polar, with arginine, which is basic and polar, at codon 137 of the POLG2 protein (p.Pro137Arg). This variant is not present in population databases (gnomAD no frequency). This variant has not been reported in the literature in individuals affected with POLG2-related conditions. ClinVar contains an entry for this variant (Variation ID: 2850999). An algorithm developed to predict the effect of missense changes on protein structure and function (PolyPhen-2) suggests that this variant is likely to be tolerated. In summary, the available evidence is currently insufficient to determine the role of this variant in disease. Therefore, it has been classified as a Variant of Uncertain Significance.